The following is an entry in ClinVar:

ClinVar aggregate classification (germline): Likely benign. Review status: criteria provided, multiple submitters, no conflicts (2 of 4 stars). 2 submissions from 2 submitters: Likely benign (2). Last evaluated 2024-06-01.

Conditions:
Emery-Dreifuss muscular dystrophy 5, autosomal dominant (EDMD5). Also called: EMERY-DREIFUSS MUSCULAR DYSTROPHY 5. Identifiers: Orphanet 261, MedGen C2751805, MONDO:0013072, OMIM 612999.

Allele frequency attached by ClinVar (database versions not stated): gnomAD exomes 0.00001; TOPMed 0.00001; gnomAD 0.00002; ExAC 0.00004; ESP Exome Variant Server 0.00008.
gnomAD v4.1: 15 of 1,613,940 alleles (0.00093%); highest among the groups gnomAD compares: Admixed American, 0.0067%; no homozygotes.

Submissions (2):

CeGaT Center for Human Genetics Tuebingen
Classification: Likely benign. Last evaluated: 2024-06-01. Review status: criteria provided, single submitter. Criteria: CeGaT Center For Human Genetics Tuebingen Variant Classification Criteria Version 2. Collection method: clinical testing. Allele origin: germline. Affected: yes. Observed: 1 variant allele.
Comment: SYNE2: BP4, BP7

Labcorp Genetics (formerly Invitae), Labcorp
Classification: Likely benign for Emery-Dreifuss muscular dystrophy 5, autosomal dominant. Last evaluated: 2022-01-16. Review status: criteria provided, single submitter. Criteria: Invitae Variant Classification Sherloc (09022015). Collection method: clinical testing. Allele origin: germline.

NM_182914.3(SYNE2):c.17034G>A (p.Thr5678=)

Gene: SYNE2 (spectrin repeat containing nuclear envelope protein 2; plus strand). Cytogenetic location: 14q23.2.
Variant type: single nucleotide variant.
Coding change: c.17034G>A on transcript NM_182914.3 (MANE Select); coding-DNA position 17034, G replaced by A.
Protein change: p.Thr5678=; no amino-acid change (threonine 5678 retained).
Molecular consequence: synonymous variant.
Genome position (GRCh38, 1-based): chr14:64,170,261, G>A. VCF-style: chr14-64170261-G-A. GRCh37 (hg19) VCF-style: chr14-64636979-G-A.
Other names: c.17034G>A, p.Thr5678= (NM_015180.6).
Identifiers: ClinVar variation 1932550 (VCV001932550.23), dbSNP rs139896810, ClinGen allele CA7223582.